The following is an entry in ClinVar:

ClinVar aggregate classification (germline): Conflicting classifications of pathogenicity. Review status: criteria provided, conflicting classifications (1 of 4 stars). 3 submissions from 3 submitters: Uncertain significance (2); Likely benign (1). Last evaluated 2024-04-24.

Conditions:
Developmental and epileptic encephalopathy 94 (DEE94). Also called: Epileptic encephalopathy, childhood-onset; CHD2-Related Neurodevelopmental Disorders. Identifiers: Orphanet 1942, Orphanet 2382, MedGen C3809278, MONDO:0014150, OMIM 615369.

Allele frequency attached by ClinVar (database versions not stated): gnomAD exomes below 0.00001; ExAC 0.00001; gnomAD 0.00001.
gnomAD v4.1: 31 of 1,601,758 alleles (0.0019%); highest among the groups gnomAD compares: Non-Finnish European, 0.0026%; no homozygotes.

Submissions (3):

Labcorp Genetics (formerly Invitae), Labcorp
Classification: Uncertain significance for Developmental and epileptic encephalopathy 94. Last evaluated: 2024-04-24. Review status: criteria provided, single submitter. Criteria: Invitae Variant Classification Sherloc (09022015). Collection method: clinical testing. Allele origin: germline.
Comment: This sequence change replaces aspartic acid, which is acidic and polar, with tyrosine, which is neutral and polar, at codon 1410 of the CHD2 protein (p.Asp1410Tyr). This variant is present in population databases (rs775901148, gnomAD 0.0009%). This variant has not been reported in the literature in individuals affected with CHD2-related conditions. ClinVar contains an entry for this variant (Variation ID: 1192121). Advanced modeling of protein sequence and biophysical properties (such as structural, functional, and spatial information, amino acid conservation, physicochemical variation, residue mobility, and thermodynamic stability) performed at Invitae indicates that this missense variant is not expected to disrupt CHD2 protein function with a negative predictive value of 95%. In summary, the available evidence is currently insufficient to determine the role of this variant in disease. Therefore, it has been classified as a Variant of Uncertain Significance.

Blueprint Genetics
Classification: Uncertain significance. Last evaluated: 2023-06-15. Review status: criteria provided, single submitter. Criteria: ACMG Guidelines, 2015. Collection method: clinical testing. Allele origin: germline.

GeneDx
Classification: Likely benign. Last evaluated: 2023-01-31. Review status: criteria provided, single submitter. Criteria: GeneDx Variant Classification Process June 2021. Collection method: clinical testing. Allele origin: germline. Affected: yes.
Comment: See Variant Classification Assertion Criteria.

NM_001271.4(CHD2):c.4228G>T (p.Asp1410Tyr)

Gene: CHD2 (chromodomain helicase DNA binding protein 2; plus strand). Cytogenetic location: 15q26.1.
Variant type: single nucleotide variant.
Coding change: c.4228G>T on transcript NM_001271.4 (MANE Select); coding-DNA position 4228, G replaced by T.
Protein change: p.Asp1410Tyr; replaces aspartic acid 1410 with tyrosine.
Molecular consequence: missense variant.
Genome position (GRCh38, 1-based): chr15:93,002,267, G>T. VCF-style: chr15-93002267-G-T. GRCh37 (hg19) VCF-style: chr15-93545497-G-T.
Other names: short protein forms D1410Y.
Identifiers: ClinVar variation 1192121 (VCV001192121.13), dbSNP rs775901148, ClinGen allele CA7748415.